The following is an entry in ClinVar:

NM_153682.3(PIGP):c.-17C>T

Gene: PIGP (phosphatidylinositol glycan anchor biosynthesis class P; minus strand). Cytogenetic location: 21q22.13.
Variant type: single nucleotide variant.
Coding change: c.-17C>T on transcript NM_153682.3 (MANE Select); 17 bases upstream of the start codon, C replaced by T.
Molecular consequence: 5 prime UTR variant. On other transcripts: missense variant (1).
Genome position (GRCh38, 1-based): chr21:37,072,532, G>A on the plus strand (C>T on the coding strand, the complement: PIGP is on the minus strand). VCF-style: chr21-37072532-G-A. GRCh37 (hg19) VCF-style: chr21-38444832-G-A.
Other names: c.-17C>T (NM_001320480.2); c.-261C>T (NM_016430.4); c.56C>T, p.Ser19Phe (NM_153681.2); short protein forms S19F.
Identifiers: ClinVar variation 1377315 (VCV001377315.6), dbSNP rs1324483014, ClinGen allele CA409921590.

ClinVar aggregate classification (germline): Uncertain significance (1 of 4 stars; one submission).

Allele frequency attached by ClinVar (database versions not stated): gnomAD exomes below 0.00001; gnomAD 0.00001.
gnomAD v4.1: 3 of 1,614,098 alleles (0.00019%); highest among the groups gnomAD compares: African/African-American, 0.004%; no homozygotes.

Submission:

Labcorp Genetics (formerly Invitae), Labcorp
Classification: Uncertain significance. Last evaluated: 2023-10-13. Review status: criteria provided, single submitter. Criteria: Invitae Variant Classification Sherloc (09022015). Collection method: clinical testing. Allele origin: germline.
Comment: This sequence change replaces serine, which is neutral and polar, with phenylalanine, which is neutral and non-polar, at codon 19 of the PIGP protein (p.Ser19Phe). This variant is present in population databases (no rsID available, gnomAD 0.01%). This variant has not been reported in the literature in individuals affected with PIGP-related conditions. ClinVar contains an entry for this variant (Variation ID: 1377315). An algorithm developed to predict the effect of missense changes on protein structure and function (PolyPhen-2) suggests that this variant is likely to be tolerated. In summary, the available evidence is currently insufficient to determine the role of this variant in disease. Therefore, it has been classified as a Variant of Uncertain Significance.